The following is an entry in ClinVar:

NM_001029883.3(PCARE):c.3590G>A (p.Arg1197His)

Gene: PCARE (photoreceptor cilium actin regulator; minus strand). Cytogenetic location: 2p23.2.
Variant type: single nucleotide variant.
Coding change: c.3590G>A on transcript NM_001029883.3 (MANE Select); coding-DNA position 3590, G replaced by A.
Protein change: p.Arg1197His; replaces arginine 1197 with histidine.
Molecular consequence: missense variant.
Genome position (GRCh38, 1-based): chr2:29,070,672, C>T on the plus strand (G>A on the coding strand, the complement: PCARE is on the minus strand). VCF-style: chr2-29070672-C-T. GRCh37 (hg19) VCF-style: chr2-29293538-C-T.
Other names: short protein forms R1197H.
Identifiers: ClinVar variation 335640 (VCV000335640.10), dbSNP rs375769419, ClinGen allele CA1591889.
Genomic context (GRCh38, chr2:29,070,672, plus strand): 5'-GATTCATAAGAGGTGCTGGTGGGGTCCAAGGTGGGAGGCTGCGGTCGGCCACCTGGCTGG[C>T]GGTCAGAAGCTGTCCTCCTGAGGAAAGGCAGAGGGTTGAGGGCACACAGAGCTGCTCTCC-3'
Protein context (NP_001025054.1, residues 1187-1207): LPFLRRTASD[Arg1197His]QPGGRPQPPT

ClinVar aggregate classification (germline): Uncertain significance. Review status: criteria provided, multiple submitters, no conflicts (2 of 4 stars). 4 submissions from 4 submitters: Uncertain significance (4). Last evaluated 2025-01-23.

Conditions:
Retinal dystrophy. Also called: Inherited retinal dystrophy. Identifiers: Orphanet 71862, MedGen C0854723, MeSH D058499, MONDO:0019118, HP:0000556.
Retinitis pigmentosa (RP). Identifiers: Orphanet 791, MedGen C0035334, MeSH D012174, MONDO:0019200, OMIM 268000. Inheritance: Autosomal dominant, autosomal recessive and X linked inheritance.

Allele frequency attached by ClinVar (database versions not stated): gnomAD 0.00005; TOPMed 0.00007; gnomAD exomes 0.00010; ExAC 0.00013; ESP Exome Variant Server 0.00016.

Submissions (4):

Labcorp Genetics (formerly Invitae), Labcorp
Classification: Uncertain significance. Last evaluated: 2025-01-23. Review status: criteria provided, single submitter. Criteria: Invitae Variant Classification Sherloc (09022015). Collection method: clinical testing. Allele origin: germline.
Comment: This sequence change replaces arginine, which is basic and polar, with histidine, which is basic and polar, at codon 1197 of the PCARE protein (p.Arg1197His). This variant is present in population databases (rs375769419, gnomAD 0.01%). This variant has not been reported in the literature in individuals affected with PCARE-related conditions. ClinVar contains an entry for this variant (Variation ID: 335640). An algorithm developed to predict the effect of missense changes on protein structure and function outputs the following: PolyPhen-2: "Benign". The histidine amino acid residue is found in multiple mammalian species, which suggests that this missense change does not adversely affect protein function. In summary, the available evidence is currently insufficient to determine the role of this variant in disease. Therefore, it has been classified as a Variant of Uncertain Significance.

Blueprint Genetics
Classification: Uncertain significance. Last evaluated: 2024-11-26. Review status: criteria provided, single submitter. Criteria: ACMG Guidelines, 2015. Collection method: clinical testing. Allele origin: germline.

Dept Of Ophthalmology, Nagoya University
Classification: Uncertain significance for Retinal dystrophy. Last evaluated: 2023-10-01. Review status: criteria provided, single submitter. Criteria: Submitter's publication. Collection method: research. Allele origin: germline. Affected: yes.

Illumina Laboratory Services, Illumina
Classification: Uncertain significance for Retinitis pigmentosa. Last evaluated: 2018-01-12. Review status: criteria provided, single submitter. Criteria: ICSL Variant Classification Criteria 13 December 2019. Collection method: clinical testing. Allele origin: germline.